The following is an entry in ClinVar:

NM_001006658.3(CR2):c.2992C>G (p.Leu998Val)

Gene: CR2 (complement C3d receptor 2; plus strand). Cytogenetic location: 1q32.2.
Variant type: single nucleotide variant.
Coding change: c.2992C>G on transcript NM_001006658.3 (MANE Select); coding-DNA position 2992, C replaced by G.
Protein change: p.Leu998Val; replaces leucine 998 with valine.
Molecular consequence: missense variant.
Genome position (GRCh38, 1-based): chr1:207,477,974, C>G. VCF-style: chr1-207477974-C-G. GRCh37 (hg19) VCF-style: chr1-207651319-C-G.
Other names: c.2815C>G, p.Leu939Val (NM_001877.5); short protein forms L939V, L998V.
Identifiers: ClinVar variation 2183099 (VCV002183099.2), dbSNP rs761718497, ClinGen allele CA1369100.

ClinVar aggregate classification (germline): Uncertain significance (1 of 4 stars; one submission).

Conditions:
Immunodeficiency, common variable, 7. Identifiers: Orphanet 1572, Orphanet 696894, MedGen C3542922, MONDO:0013862, OMIM 614699.

Allele frequency attached by ClinVar (database versions not stated): gnomAD exomes 0.00008; ExAC 0.00019; gnomAD 0.00001.
gnomAD v4.1: 114 of 1,613,898 alleles (0.0071%); highest among the groups gnomAD compares: South Asian, 0.12%; no homozygotes.

Submission:

Labcorp Genetics (formerly Invitae), Labcorp
Classification: Uncertain significance for Immunodeficiency, common variable, 7. Last evaluated: 2024-04-30. Review status: criteria provided, single submitter. Criteria: Invitae Variant Classification Sherloc (09022015). Collection method: clinical testing. Allele origin: germline.
Comment: This sequence change replaces leucine, which is neutral and non-polar, with valine, which is neutral and non-polar, at codon 998 of the CR2 protein (p.Leu998Val). This variant is present in population databases (rs761718497, gnomAD 0.1%). This variant has not been reported in the literature in individuals affected with CR2-related conditions. ClinVar contains an entry for this variant (Variation ID: 2183099). Algorithms developed to predict the effect of missense changes on protein structure and function output the following: SIFT: "Not Available"; PolyPhen-2: "Benign"; Align-GVGD: "Not Available". The valine amino acid residue is found in multiple mammalian species, which suggests that this missense change does not adversely affect protein function. In summary, the available evidence is currently insufficient to determine the role of this variant in disease. Therefore, it has been classified as a Variant of Uncertain Significance.